The following is an entry in ClinVar:

NM_032043.3(BRIP1):c.1935+1572A>G

Gene: BRIP1 (BRCA1 interacting DNA helicase 1; minus strand). Cytogenetic location: 17q23.2.
Variant type: single nucleotide variant.
Coding change: c.1935+1572A>G on transcript NM_032043.3 (MANE Select); 1572 bases into the intron after coding-DNA position 1935, A replaced by G.
Molecular consequence: intron variant.
Genome position (GRCh38, 1-based): chr17:61,778,689, T>C on the plus strand (A>G on the coding strand, the complement: BRIP1 is on the minus strand). VCF-style: chr17-61778689-T-C. GRCh37 (hg19) VCF-style: chr17-59856050-T-C.
Identifiers: ClinVar variation 3261799 (VCV003261799.1).

ClinVar aggregate classification (germline): Uncertain significance (1 of 4 stars; one submission).

Conditions:
Hereditary cancer-predisposing syndrome. Also called: Hereditary Cancer Syndrome; Tumor predisposition; Hereditary neoplastic syndrome; Neoplastic Syndromes, Hereditary. Identifiers: Orphanet 140162, MedGen C0027672, MeSH D009386, MONDO:0015356.

Submission:

Ambry Genetics
Classification: Uncertain significance for Hereditary cancer-predisposing syndrome. Last evaluated: 2024-03-29. Review status: criteria provided, single submitter. Criteria: Ambry Variant Classification Scheme 2023. Collection method: clinical testing. Allele origin: germline.
Comment: The c.1935+1572A>G intronic variant results from an A to G substitution 1572 nucleotides after coding exon 12 in the BRIP1 gene. This nucleotide position is highly conserved in available vertebrate species. In silico splice site analysis predicts that this alteration will result in the creation or strengthening of a novel splice donor site; however, direct evidence is insufficient at this time (Ambry internal data). Based on the available evidence, the clinical significance of this alteration remains unclear.